The following is an entry in ClinVar:

NM_001042492.3(NF1):c.3208C>T (p.Gln1070Ter)

Gene: NF1 (neurofibromin 1; plus strand). Cytogenetic location: 17q11.2.
Variant type: single nucleotide variant.
Coding change: c.3208C>T on transcript NM_001042492.3 (MANE Select); coding-DNA position 3208, C replaced by T.
Protein change: p.Gln1070Ter; replaces glutamine 1070 with a stop codon.
Molecular consequence: nonsense.
Genome position (GRCh38, 1-based): chr17:31,232,083, C>T. VCF-style: chr17-31232083-C-T. GRCh37 (hg19) VCF-style: chr17-29559101-C-T.
Other names: c.3208C>T, p.Gln1070Ter (NM_000267.4); short protein forms Q1070*.
Identifiers: ClinVar variation 185239 (VCV000185239.5), dbSNP rs786202023, ClinGen allele CA191414.
Genomic context (GRCh38, chr17:31,232,083, plus strand): 5'-GAAAGATTCATGGTCTCTAAATTTTTTTTTTTTTTTTTTTTTTTTTTCAGAGATTTGGAC[C>T]AGGCAAGCATGGAAGCAGTAGTTTCACTTCTAGCTGGTCTCCCTCTGCAGCCTGAAGAAG-3'

ClinVar aggregate classification (germline): Pathogenic. Review status: criteria provided, multiple submitters, no conflicts (2 of 4 stars). 2 submissions from 2 submitters: Pathogenic (2). Last evaluated 2025-09-16.

Conditions:
Hereditary cancer-predisposing syndrome. Also called: Tumor predisposition; Hereditary Cancer Syndrome; Hereditary neoplastic syndrome; Neoplastic Syndromes, Hereditary. Identifiers: Orphanet 140162, MedGen C0027672, MeSH D009386, MONDO:0015356.
Neurofibromatosis, type 1 (NF1). Also called: VON RECKLINGHAUSEN DISEASE; NEUROFIBROMATOSIS, TYPE I, SOMATIC; Peripheral type neurofibromatosis; Neurofibromatosis, type I. Identifiers: Orphanet 636, MedGen C0027831, MONDO:0018975, OMIM 162200. Disease mechanism: loss of function.

Submissions (2):

Labcorp Genetics (formerly Invitae), Labcorp
Classification: Pathogenic for Neurofibromatosis, type 1. Last evaluated: 2025-09-16. Review status: criteria provided, single submitter. Criteria: Invitae Variant Classification Sherloc (09022015). Collection method: clinical testing. Allele origin: germline.
Comment: This sequence change creates a premature translational stop signal (p.Gln1070*) in the NF1 gene. It is expected to result in an absent or disrupted protein product. Loss-of-function variants in NF1 are known to be pathogenic (PMID: 10712197, 23913538). This variant is not present in population databases (gnomAD no frequency). This premature translational stop signal has been observed in individual(s) with neurofibromatosis type 1 (PMID: 10862051). ClinVar contains an entry for this variant (Variation ID: 185239). For these reasons, this variant has been classified as Pathogenic.

Ambry Genetics
Classification: Pathogenic for Hereditary cancer-predisposing syndrome. Last evaluated: 2014-06-18. Review status: criteria provided, single submitter. Criteria: Ambry Autosomal Dominant and X-Linked criteria (10/2015). Collection method: clinical testing. Allele origin: germline. Observed: 1 variant allele.
Comment: The p.Q1070* variant (also known as c.3208C>T) located in coding exon 25 of the NF1 gene, results from a C to T substitution at nucleotide position 3208. This changes the amino acid from a glutamine to a stop codon within coding exon 25. Since premature stop codons are typically deleterious in nature, this alteration is interpreted as a disease-causing mutation (ACMG Recommendations for Standards for Interpretation and Reporting of Sequence Variations. Revision 2007. Genet Med. 2008;10:294).

Literature cited by the submitters: PubMed 10712197 (cited by Labcorp Genetics (formerly Invitae), Labcorp); PubMed 23913538 (cited by Labcorp Genetics (formerly Invitae), Labcorp); PubMed 10862051 (cited by Labcorp Genetics (formerly Invitae), Labcorp).